The following is an entry in ClinVar:

NM_178822.5(IGSF10):c.1711C>T (p.Pro571Ser)

Gene: IGSF10 (immunoglobulin superfamily member 10; minus strand). Cytogenetic location: 3q25.1.
Variant type: single nucleotide variant.
Coding change: c.1711C>T on transcript NM_178822.5 (MANE Select); coding-DNA position 1711, C replaced by T.
Protein change: p.Pro571Ser; replaces proline 571 with serine.
Molecular consequence: missense variant.
Genome position (GRCh38, 1-based): chr3:151,448,270, G>A on the plus strand (C>T on the coding strand, the complement: IGSF10 is on the minus strand). VCF-style: chr3-151448270-G-A. GRCh37 (hg19) VCF-style: chr3-151166058-G-A.
Other names: c.1711C>T, p.Pro571Ser (NM_001385060.1, NM_001385061.1, NM_001385062.1 and 1 more transcripts); c.1711C>T (NM_178822.4); short protein forms P571S.
Identifiers: ClinVar variation 1536883 (VCV001536883.11), dbSNP rs17204557, ClinGen allele CA2670492.

ClinVar aggregate classification (germline): Benign. Review status: criteria provided, multiple submitters, no conflicts (2 of 4 stars). 3 submissions from 3 submitters: Benign (2). 1 of the submissions does not count toward it. Last evaluated 2026-02-01.

Conditions:
IGSF10-related disorder. Also called: IGSF10-related condition.

Allele frequency attached by ClinVar (database versions not stated): gnomAD 0.03069 and 0.02788; TOPMed 0.03165; gnomAD exomes 0.04063 and 0.04384; 1000 Genomes Project 0.04333; 1000 Genomes Project 30x 0.04388; ExAC 0.04394; ESP Exome Variant Server 0.02614.
gnomAD v4.1: 64,484 of 1,614,100 alleles (4%); highest among the groups gnomAD compares: South Asian, 12%; 1,945 homozygotes.

Submissions (3):

Labcorp Genetics (formerly Invitae), Labcorp
Classification: Benign. Last evaluated: 2026-02-01. Review status: criteria provided, single submitter. Criteria: Invitae Variant Classification Sherloc (09022015). Collection method: clinical testing. Allele origin: germline.

Breakthrough Genomics
Classification: Benign. Review status: criteria provided, single submitter. Criteria: ACMG Guidelines, 2015. Collection method: not provided. Allele origin: germline. Inheritance: Unknown mechanism. Affected: yes.

PreventionGenetics, part of Exact Sciences
Classification: Benign for IGSF10-related condition. Last evaluated: 2019-03-29. Review status: no assertion criteria provided. Collection method: clinical testing. Allele origin: germline. Not counted in ClinVar's aggregate classification.
Comment: This variant is classified as benign based on ACMG/AMP sequence variant interpretation guidelines (Richards et al. 2015 PMID: 25741868, with internal and published modifications).